The following is an entry in ClinVar:

NM_004336.5(BUB1):c.2651C>A (p.Thr884Asn)

Gene: BUB1 (BUB1 mitotic checkpoint serine/threonine kinase; minus strand). Cytogenetic location: 2q13.
Variant type: single nucleotide variant.
Coding change: c.2651C>A on transcript NM_004336.5 (MANE Select); coding-DNA position 2651, C replaced by A.
Protein change: p.Thr884Asn; replaces threonine 884 with asparagine.
Molecular consequence: missense variant. On other transcripts: intron variant (1).
Genome position (GRCh38, 1-based): chr2:110,641,439, G>T on the plus strand (C>A on the coding strand, the complement: BUB1 is on the minus strand). VCF-style: chr2-110641439-G-T. GRCh37 (hg19) VCF-style: chr2-111399016-G-T.
Other names: c.2591C>A, p.Thr864Asn (NM_001278616.2); c.2625+203C>A (NM_001278617.2); short protein forms T864N, T884N.
Identifiers: ClinVar variation 1794333 (VCV001794333.2), dbSNP rs1689501956, ClinGen allele CA348089925.

ClinVar aggregate classification (germline): Uncertain significance (1 of 4 stars; one submission).

Allele frequency attached by ClinVar (database versions not stated): gnomAD exomes below 0.00001.
gnomAD v4.1: 1 of 1,612,932 alleles (0.000062%); highest among the groups gnomAD compares: Non-Finnish European, 0.000085%; no homozygotes.

Submission:

Ambry Genetics
Classification: Uncertain significance. Last evaluated: 2021-11-05. Review status: criteria provided, single submitter. Criteria: Ambry Variant Classification Scheme 2023. Collection method: clinical testing. Allele origin: germline.
Comment: The p.T884N variant (also known as c.2651C>A), located in coding exon 22 of the BUB1 gene, results from a C to A substitution at nucleotide position 2651. The threonine at codon 884 is replaced by asparagine, an amino acid with similar properties. This amino acid position is conserved. In addition, this alteration is predicted to be tolerated by in silico analysis. Since supporting evidence is limited at this time, the clinical significance of this alteration remains unclear.